The following is an entry in ClinVar:

ClinVar aggregate classification (germline): Uncertain significance. Review status: criteria provided, multiple submitters, no conflicts (2 of 4 stars). 2 submissions from 2 submitters: Uncertain significance (2). Last evaluated 2025-12-15.

Conditions:
Hereditary cancer-predisposing syndrome. Also called: Hereditary Cancer Syndrome; Neoplastic Syndromes, Hereditary; Tumor predisposition; Hereditary neoplastic syndrome. Identifiers: Orphanet 140162, MedGen C0027672, MeSH D009386, MONDO:0015356.
Multiple endocrine neoplasia, type 2 (MEN2). Identifiers: Orphanet 653, MedGen C4048306, MONDO:0019003. Disease mechanism: gain of function.

Submissions (2):

Ambry Genetics
Classification: Uncertain significance for Hereditary cancer-predisposing syndrome. Last evaluated: 2025-12-15. Review status: criteria provided, single submitter. Criteria: Ambry Variant Classification Scheme 2023. Collection method: clinical testing. Allele origin: germline.
Comment: The p.P162A variant (also known as c.484C>G), located in coding exon 3 of the RET gene, results from a C to G substitution at nucleotide position 484. The proline at codon 162 is replaced by alanine, an amino acid with highly similar properties. This amino acid position is conserved. In addition, this alteration is predicted to be tolerated by in silico analysis. Based on the available evidence, the clinical significance of this variant remains unclear.

Labcorp Genetics (formerly Invitae), Labcorp
Classification: Uncertain significance for Multiple endocrine neoplasia, type 2. Last evaluated: 2024-05-27. Review status: criteria provided, single submitter. Criteria: Invitae Variant Classification Sherloc (09022015). Collection method: clinical testing. Allele origin: germline.
Comment: This sequence change replaces proline, which is neutral and non-polar, with alanine, which is neutral and non-polar, at codon 162 of the RET protein (p.Pro162Ala). This variant is not present in population databases (gnomAD no frequency). This variant has not been reported in the literature in individuals affected with RET-related conditions. Algorithms developed to predict the effect of missense changes on protein structure and function output the following: SIFT: "Not Available"; PolyPhen-2: "Benign"; Align-GVGD: "Not Available". The alanine amino acid residue is found in multiple mammalian species, which suggests that this missense change does not adversely affect protein function. In summary, the available evidence is currently insufficient to determine the role of this variant in disease. Therefore, it has been classified as a Variant of Uncertain Significance.

NM_020975.6(RET):c.484C>G (p.Pro162Ala)

Gene: RET (ret proto-oncogene; plus strand). Cytogenetic location: 10q11.21.
Variant type: single nucleotide variant.
Coding change: c.484C>G on transcript NM_020975.6 (MANE Select); coding-DNA position 484, C replaced by G.
Protein change: p.Pro162Ala; replaces proline 162 with alanine.
Molecular consequence: missense variant. On other transcripts: intron variant (15).
Genome position (GRCh38, 1-based): chr10:43,102,488, C>G. VCF-style: chr10-43102488-C-G. GRCh37 (hg19) VCF-style: chr10-43597936-C-G.
Other names: c.337+1766C>G (NM_001406778.1, NM_001406775.1, NM_001406776.1 and 8 more transcripts); c.74-6543C>G (NM_001406784.1); c.74-9611C>G (NM_001406794.1, NM_001406792.1, NM_001406793.1); c.484C>G, p.Pro162Ala (NM_001406743.1, NM_001406744.1, NM_001406759.1 and 14 more transcripts); c.355C>G, p.Pro119Ala (NM_001406761.1, NM_001406762.1, NM_001406764.1 and 4 more transcripts); short protein forms P119A, P162A.
Identifiers: ClinVar variation 3669444 (VCV003669444.3).